The following is an entry in ClinVar:

ClinVar aggregate classification (germline): Conflicting classifications of pathogenicity. Review status: criteria provided, conflicting classifications (1 of 4 stars). 4 submissions from 4 submitters: Uncertain significance (3); Benign (1). Last evaluated 2025-10-01.

Conditions:
Hereditary cancer-predisposing syndrome. Also called: Tumor predisposition; Neoplastic Syndromes, Hereditary; Hereditary Cancer Syndrome; Hereditary neoplastic syndrome. Identifiers: Orphanet 140162, MedGen C0027672, MeSH D009386, MONDO:0015356.
Tuberous sclerosis syndrome (TSC). Also called: Tuberous Sclerosis Complex; Tuberous sclerosis. Identifiers: Orphanet 805, MedGen C0041341, MONDO:0001734.
Tuberous sclerosis 1 (TSC1). Identifiers: Orphanet 805, MedGen C1854465, MONDO:0008612, OMIM 191100.

Allele frequency attached by ClinVar (database versions not stated): gnomAD exomes 0.00001.
gnomAD v4.1: 18 of 1,614,216 alleles (0.0011%); highest among the groups gnomAD compares: Non-Finnish European, 0.0014%; no homozygotes.

Submissions (4):

Labcorp Genetics (formerly Invitae), Labcorp
Classification: Benign for Tuberous sclerosis 1. Last evaluated: 2025-10-01. Review status: criteria provided, single submitter. Criteria: Invitae Variant Classification Sherloc (09022015). Collection method: clinical testing. Allele origin: germline.

Ambry Genetics
Classification: Uncertain significance for Hereditary cancer-predisposing syndrome. Last evaluated: 2024-02-22. Review status: criteria provided, single submitter. Criteria: Ambry Variant Classification Scheme 2023. Collection method: clinical testing. Allele origin: germline.
Comment: The p.L607F variant (also known as c.1819C>T), located in coding exon 13 of the TSC1 gene, results from a C to T substitution at nucleotide position 1819. The leucine at codon 607 is replaced by phenylalanine, an amino acid with highly similar properties. This amino acid position is well conserved in available vertebrate species. In addition, the in silico prediction for this alteration is inconclusive. Since supporting evidence is limited at this time, the clinical significance of this alteration remains unclear.

All of Us Research Program, National Institutes of Health
Classification: Uncertain significance for Tuberous sclerosis syndrome. Last evaluated: 2023-10-02. Review status: criteria provided, single submitter. Criteria: ACMG Guidelines, 2015. Collection method: clinical testing. Allele origin: germline. Inheritance: Autosomal dominant inheritance. Observed: 3 variant alleles, 3 heterozygotes.
Comment: This study involves interpretation of variants in research participants for the purpose of population health screening. Participant phenotype was not available at the time of variant classification. Additional details can be found in publication PMID: 35346344, PMCID: PMC8962531

GeneDx
Classification: Uncertain significance. Last evaluated: 2022-11-21. Review status: criteria provided, single submitter. Criteria: GeneDx Variant Classification Process June 2021. Collection method: clinical testing. Allele origin: germline. Affected: yes.
Comment: Not observed at significant frequency in large population cohorts (gnomAD); In silico analysis supports that this missense variant does not alter protein structure/function; Has not been previously published as pathogenic or benign to our knowledge

NM_000368.5(TSC1):c.1819C>T (p.Leu607Phe)

Gene: TSC1 (TSC complex subunit 1; minus strand). Cytogenetic location: 9q34.13.
Variant type: single nucleotide variant.
Coding change: c.1819C>T on transcript NM_000368.5 (MANE Select); coding-DNA position 1819, C replaced by T.
Protein change: p.Leu607Phe; replaces leucine 607 with phenylalanine.
Molecular consequence: missense variant.
Genome position (GRCh38, 1-based): chr9:132,905,759, G>A on the plus strand (C>T on the coding strand, the complement: TSC1 is on the minus strand). VCF-style: chr9-132905759-G-A. GRCh37 (hg19) VCF-style: chr9-135781146-G-A.
Other names: c.1816C>T, p.Leu606Phe (NM_001162426.2); c.1666C>T, p.Leu556Phe (NM_001162427.2); c.1456C>T, p.Leu486Phe (NM_001362177.2); short protein forms L607F, L486F, L556F, L606F.
Identifiers: ClinVar variation 486597 (VCV000486597.13), dbSNP rs1554815795, ClinGen allele CA375363304.